The following is an entry in ClinVar:

ClinVar aggregate classification (germline): Likely benign. Review status: criteria provided, single submitter (1 of 4 stars). 2 submissions from 2 submitters: Likely benign (1). 1 of the submissions does not count toward it. Last evaluated 2025-04-27.

Conditions:
SYNE2-related disorder. Also called: SYNE2-related condition.
Emery-Dreifuss muscular dystrophy 5, autosomal dominant (EDMD5). Also called: EMERY-DREIFUSS MUSCULAR DYSTROPHY 5. Identifiers: Orphanet 261, MedGen C2751805, MONDO:0013072, OMIM 612999.

Allele frequency attached by ClinVar (database versions not stated): gnomAD exomes 0.00001; ExAC 0.00002.
gnomAD v4.1: 9 of 1,613,864 alleles (0.00056%); highest among the groups gnomAD compares: South Asian, 0.0088%; no homozygotes.

Submissions (2):

Labcorp Genetics (formerly Invitae), Labcorp
Classification: Likely benign for Emery-Dreifuss muscular dystrophy 5, autosomal dominant. Last evaluated: 2025-04-27. Review status: criteria provided, single submitter. Criteria: Invitae Variant Classification Sherloc (09022015). Collection method: clinical testing. Allele origin: germline.

PreventionGenetics, part of Exact Sciences
Classification: Likely benign for SYNE2-related condition. Last evaluated: 2019-04-05. Review status: no assertion criteria provided. Collection method: clinical testing. Allele origin: germline. Not counted in ClinVar's aggregate classification.
Comment: This variant is classified as likely benign based on ACMG/AMP sequence variant interpretation guidelines (Richards et al. 2015 PMID: 25741868, with internal and published modifications).

NM_182914.3(SYNE2):c.9765T>C (p.Tyr3255=)

Gene: SYNE2 (spectrin repeat containing nuclear envelope protein 2; plus strand). Cytogenetic location: 14q23.2.
Variant type: single nucleotide variant.
Coding change: c.9765T>C on transcript NM_182914.3 (MANE Select); coding-DNA position 9765, T replaced by C.
Protein change: p.Tyr3255=; no amino-acid change (tyrosine 3255 retained).
Molecular consequence: synonymous variant.
Genome position (GRCh38, 1-based): chr14:64,055,964, T>C. VCF-style: chr14-64055964-T-C. GRCh37 (hg19) VCF-style: chr14-64522682-T-C.
Other names: c.9765T>C, p.Tyr3255= (NM_015180.6).
Identifiers: ClinVar variation 3058514 (VCV003058514.3), dbSNP rs772059205, ClinGen allele CA7221349.